The following is an entry in ClinVar:

ClinVar aggregate classification (germline): Likely pathogenic. Review status: criteria provided, multiple submitters, no conflicts (2 of 4 stars). 2 submissions from 2 submitters: Likely pathogenic (2). Last evaluated 2021-10-29.

Conditions:
Arthrogryposis multiplex congenita 6. Identifiers: MedGen C5543431, MONDO:0030281, OMIM 619334.
Nemaline myopathy 2 (NEM2). Also called: Nemaline myopathy 2, autosomal recessive. Identifiers: MedGen C1850569, MONDO:0009725, OMIM 256030.

gnomAD v4.1: 7 of 1,556,976 alleles (0.00045%); highest among the groups gnomAD compares: Non-Finnish European, 0.00061%; no homozygotes.

Submissions (2):

Fulgent Genetics
Classification: Likely pathogenic for Nemaline myopathy 2; Arthrogryposis multiplex congenita 6. Last evaluated: 2021-10-29. Review status: criteria provided, single submitter. Criteria: ACMG Guidelines, 2015. Collection method: clinical testing. Allele origin: unknown.

Labcorp Genetics (formerly Invitae), Labcorp
Classification: Likely pathogenic for Nemaline myopathy 2. Last evaluated: 2020-10-19. Review status: criteria provided, single submitter. Criteria: Invitae Variant Classification Sherloc (09022015). Collection method: clinical testing. Allele origin: germline.
Comment: In summary, the currently available evidence indicates that the variant is pathogenic, but additional data are needed to prove that conclusively. Therefore, this variant has been classified as Likely Pathogenic. Algorithms developed to predict the effect of sequence changes on RNA splicing suggest that this variant may disrupt the consensus splice site, but this prediction has not been confirmed by published transcriptional studies. This variant has not been reported in the literature in individuals with NEB-related conditions. This variant is not present in population databases (ExAC no frequency). This sequence change affects an acceptor splice site in intron 38 of the NEB gene. It is expected to disrupt RNA splicing. Variants that disrupt the donor or acceptor splice site typically lead to a loss of protein function (PMID: 16199547), and loss-of-function variants in NEB are known to be pathogenic (PMID: 25205138).

Literature cited by the submitters: PubMed 16199547 (cited by Labcorp Genetics (formerly Invitae), Labcorp); PubMed 25205138 (cited by Labcorp Genetics (formerly Invitae), Labcorp).

NM_001164508.2(NEB):c.4507-1G>A

Gene: NEB (nebulin; minus strand). Cytogenetic location: 2q23.3.
Variant type: single nucleotide variant.
Coding change: c.4507-1G>A on transcript NM_001164508.2 (MANE Select); the canonical splice acceptor site of the intron before coding-DNA position 4507, G replaced by A.
Molecular consequence: splice acceptor variant.
Genome position (GRCh38, 1-based): chr2:151,669,132, C>T on the plus strand (G>A on the coding strand, the complement: NEB is on the minus strand). VCF-style: chr2-151669132-C-T. GRCh37 (hg19) VCF-style: chr2-152525646-C-T.
Other names: c.4507-1G>A (NM_004543.5, NM_001164507.2, NM_001271208.2).
Identifiers: ClinVar variation 1066590 (VCV001066590.10), dbSNP rs2154185810, ClinGen allele CA348815170.